The following is an entry in ClinVar:

NM_024339.5(THOC6):c.329G>A (p.Cys110Tyr)

Gene: THOC6 (THO complex subunit 6; plus strand). Cytogenetic location: 16p13.3.
Variant type: single nucleotide variant.
Coding change: c.329G>A on transcript NM_024339.5 (MANE Select); coding-DNA position 329, G replaced by A.
Protein change: p.Cys110Tyr; replaces cysteine 110 with tyrosine.
Molecular consequence: missense variant.
Genome position (GRCh38, 1-based): chr16:3,026,255, G>A. VCF-style: chr16-3026255-G-A. GRCh37 (hg19) VCF-style: chr16-3076256-G-A.
Other names: c.329G>A, p.Cys110Tyr (NM_001142350.3, NM_001347704.2); c.257G>A, p.Cys86Tyr (NM_001347703.2); short protein forms C110Y, C86Y.
Identifiers: ClinVar variation 1034036 (VCV001034036.1), dbSNP rs138453104, ClinGen allele CA7854934.
Genomic context (GRCh38, chr16:3,026,255, plus strand): 5'-GGGTGCCTGGACCCAGAGAGAGCCTTTGAGGTCACCTGGTATTTTCTCTTTTGAAGGGCT[G>A]TAAGGAGCTGTGGCGTCGTCAGCCTCCATACAGGTGAGCAGGGCCACGTGGATAGAGGGT-3'
Protein context (NP_077315.2, residues 100-120): WLWAEMLKKG[Cys110Tyr]KELWRRQPPY

ClinVar aggregate classification (germline): Uncertain significance (1 of 4 stars; one submission).

Conditions:
THOC6-related developmental delay-microcephaly-facial dysmorphism syndrome. Also called: Microcephaly, mental retardation, and distinctive facies, with cardiac and genitourinary malformations; THOC6 Intellectual Disability Syndrome; Beaulieu-Boycott-Innes syndrome. Identifiers: Orphanet 363444, MedGen C3150939, MONDO:0013362, OMIM 613680.

Allele frequency attached by ClinVar (database versions not stated): gnomAD exomes 0.00003 and 0.00013; ExAC 0.00017; TOPMed 0.00049; gnomAD 0.00053; ESP Exome Variant Server 0.00054; 1000 Genomes Project 0.00100; 1000 Genomes Project 30x 0.00109.
gnomAD v4.1: 123 of 1,614,152 alleles (0.0076%); highest among the groups gnomAD compares: African/African-American, 0.13%; no homozygotes.

Submission:

Baylor Genetics
Classification: Uncertain significance for THOC6-related developmental delay-microcephaly-facial dysmorphism syndrome. Last evaluated: 2018-03-25. Review status: criteria provided, single submitter. Criteria: ACMG Guidelines, 2015. Collection method: clinical testing. Allele origin: unknown. Affected: yes.
Comment: This variant was determined to be of uncertain significance according to ACMG Guidelines, 2015 [PMID:25741868].